The following is an entry in ClinVar:

ClinVar aggregate classification (germline): Uncertain significance (1 of 4 stars; one submission).

Conditions:
Early-infantile DEE. Also called: Early infantile epileptic encephalopathy; Early infantile epileptic encephalopathy with suppression bursts; Ohtahara syndrome. Identifiers: Orphanet 1934, MedGen C0393706, MONDO:0800491.

Submission:

Labcorp Genetics (formerly Invitae), Labcorp
Classification: Uncertain significance for Early-infantile DEE. Last evaluated: 2022-01-26. Review status: criteria provided, single submitter. Criteria: Invitae Variant Classification Sherloc (09022015). Collection method: clinical testing. Allele origin: germline.
Comment: This sequence change replaces leucine, which is neutral and non-polar, with histidine, which is basic and polar, at codon 1640 of the SCN1A protein (p.Leu1640His). This variant is not present in population databases (gnomAD no frequency). This variant has not been reported in the literature in individuals affected with SCN1A-related conditions. Advanced modeling of protein sequence and biophysical properties (such as structural, functional, and spatial information, amino acid conservation, physicochemical variation, residue mobility, and thermodynamic stability) performed at Invitae indicates that this missense variant is expected to disrupt SCN1A protein function. In summary, the available evidence is currently insufficient to determine the role of this variant in disease. Therefore, it has been classified as a Variant of Uncertain Significance.

NM_001165963.4(SCN1A):c.4919T>A (p.Leu1640His)

Genes: SCN1A (sodium voltage-gated channel alpha subunit 1; minus strand), LOC102724058 (uncharacterized LOC102724058; plus strand). Cytogenetic location: 2q24.3.
Variant type: single nucleotide variant.
Coding change: c.4919T>A on transcript NM_001165963.4 (MANE Select); coding-DNA position 4919, T replaced by A.
Protein change: p.Leu1640His; replaces leucine 1640 with histidine.
Molecular consequence: missense variant. On other transcripts: non-coding transcript variant (1).
Genome position (GRCh38, 1-based): chr2:165,992,356, A>T on the plus strand (T>A on the coding strand, the complement: SCN1A is on the minus strand). VCF-style: chr2-165992356-A-T. GRCh37 (hg19) VCF-style: chr2-166848866-A-T.
Other names: c.4835T>A, p.Leu1612His (NM_001165964.3, NM_001353957.2, NM_001353958.2); c.4919T>A, p.Leu1640His (NM_001202435.3, NM_001353948.2); c.4886T>A, p.Leu1629His (NM_001353949.2, NM_001353950.2, NM_001353951.2 and 2 more transcripts); c.4883T>A, p.Leu1628His (NM_001353954.2, NM_001353955.2); c.4832T>A, p.Leu1611His (NM_001353960.2); c.2477T>A, p.Leu826His (NM_001353961.2); short protein forms L1611H, L1628H, L1629H, L826H, L1612H, L1640H.
Identifiers: ClinVar variation 1524940 (VCV001524940.7), dbSNP rs2105434860, ClinGen allele CA349070234.